The following is an entry in ClinVar:

ClinVar aggregate classification (germline): Likely pathogenic (1 of 4 stars; one submission).

Conditions:
Ellis-van Creveld syndrome (EVC). Also called: EVC-Related Ellis-van Creveld Syndrome; EVC2-Related Ellis-van Creveld Syndrome; MESOECTODERMAL DYSPLASIA; Chondroectodermal dysplasia. Identifiers: Orphanet 289, MedGen C0013903, MONDO:0009162, OMIM 225500.

Submission:

Myriad Genetics, Inc.
Classification: Likely pathogenic for Ellis-van Creveld syndrome. Last evaluated: 2021-12-03. Review status: criteria provided, single submitter. Criteria: Myriad Women's Health Autosomal Recessive and X-Linked Classification Criteria (2021). Collection method: clinical testing. Allele origin: unknown.
Comment: NM_147127.4(EVC2):c.1511delG(G504Afs*7) is expected to be pathogenic in the context of EVC2-related Ellis-van Creveld syndrome. This variant is predicted to lead to an abnormal or absent protein product due to the creation of a premature termination codon in EVC2, a gene where loss-of-function variants are known to be pathogenic. Please note: this variant was assessed in the context of healthy population screening.

NM_147127.5(EVC2):c.1511del (p.Gly504fs)

Gene: EVC2 (EvC ciliary complex subunit 2; minus strand). Cytogenetic location: 4p16.2.
Variant type: Deletion.
Coding change: c.1511del on transcript NM_147127.5 (MANE Select); coding-DNA position 1511, one base deleted (G; older notation c.1511delG).
Protein change: p.Gly504fs; shifts the reading frame from glycine 504.
Molecular consequence: frameshift variant.
Genome position (GRCh38, 1-based): chr4:5,631,992, C deleted on the plus strand (G on the coding strand, the reverse complement: EVC2 is on the minus strand); the first of 2 consecutive C bases (chr4:5,631,992-5,631,993); deleting either gives the same sequence. VCF-style (leftmost placement, unchanged base first): chr4-5631991-GC-G. GRCh37 (hg19) VCF-style: chr4-5633718-GC-G.
Other names: c.1271del, p.Gly424fs (NM_001166136.2); short protein forms G424fs, G504fs.
Identifiers: ClinVar variation 1725402 (VCV001725402.2), dbSNP rs2475407728, ClinGen allele CA2580070769.